The following is an entry in ClinVar:

ClinVar aggregate classification (germline): Benign/Likely benign. Review status: criteria provided, multiple submitters, no conflicts (2 of 4 stars). 7 submissions from 7 submitters: Benign (3); Likely benign (4). Last evaluated 2025-12-01.

Conditions:
AFG3L2-related disorder. Also called: AFG3L2-related condition.
Spinocerebellar ataxia type 28 (SCA28). Also called: Spinocerebellar Ataxia Type 28 (SCA28). Identifiers: Orphanet 101109, MedGen C1853249, MONDO:0012450, OMIM 610246.

Allele frequency attached by ClinVar (database versions not stated): gnomAD 0.00001 and 0.00036; TOPMed 0.00003; gnomAD exomes 0.00147; ExAC 0.00292; 1000 Genomes Project 30x 0.00344; 1000 Genomes Project 0.00359.
gnomAD v4.1: 1,032 of 1,501,030 alleles (0.069%); highest among the groups gnomAD compares: South Asian, 1.1%; 21 homozygotes.

Submissions (8):

CeGaT Center for Human Genetics Tuebingen
Classification: Benign. Last evaluated: 2025-12-01. Review status: criteria provided, single submitter. Criteria: CeGaT Center For Human Genetics Tuebingen Variant Classification Criteria Version 2. Collection method: clinical testing. Allele origin: germline. Affected: yes. Observed: 1 variant allele.
Comment: AFG3L2: BP4, BS1, BS2

PreventionGenetics, part of Exact Sciences
Classification: Likely benign for AFG3L2-related condition. Last evaluated: 2025-07-31. Review status: criteria provided, single submitter. Criteria: ACMG Guidelines, 2015. Collection method: clinical testing. Allele origin: germline.
Comment: This variant is classified as likely benign based on ACMG/AMP sequence variant interpretation guidelines (Richards et al. 2015 PMID: 25741868, with internal and published modifications).

Blueprint Genetics
Classification: Likely benign. Last evaluated: 2024-11-14. Review status: criteria provided, single submitter. Criteria: ACMG Guidelines, 2015. Collection method: clinical testing. Allele origin: germline.

Labcorp Genetics (formerly Invitae), Labcorp
Classification: Benign. Last evaluated: 2023-11-27. Review status: criteria provided, single submitter. Criteria: Invitae Variant Classification Sherloc (09022015). Collection method: clinical testing. Allele origin: germline.

GeneDx
Classification: Likely benign. Last evaluated: 2019-01-02. Review status: criteria provided, single submitter. Criteria: GeneDx Variant Classification Process June 2021. Collection method: clinical testing. Allele origin: germline. Affected: yes.

Illumina Laboratory Services, Illumina
Classification: Benign for Spinocerebellar ataxia type 28. Last evaluated: 2018-01-12. Review status: criteria provided, single submitter. Criteria: ICSL Variant Classification Criteria 13 December 2019. Collection method: clinical testing. Allele origin: germline.
Comment: This variant was observed in the ICSL laboratory as part of a predisposition screen in an ostensibly healthy population. It had not been previously curated by ICSL or reported in the Human Gene Mutation Database (HGMD: prior to June 1st, 2018), and was therefore a candidate for classification through an automated scoring system. Utilizing variant allele frequency, disease prevalence and penetrance estimates, and inheritance mode, an automated score was calculated to assess if this variant is too frequent to cause the disease. Based on the score and internal cut-off values, a variant classified as benign is not then subjected to further curation. The score for this variant resulted in a classification of benign for this disease.

Breakthrough Genomics
Classification: Likely benign. Review status: criteria provided, single submitter. Criteria: ACMG Guidelines, 2015. Collection method: not provided. Allele origin: germline. Inheritance: Autosomal recessive inheritance. Affected: yes.

Dr. Peter K. Rogan Lab, Western University
No classification provided (evidence only). Condition: Malignant lymphoma, large B-cell, diffuse. Review status: no classification provided. Collection method: in vitro. Allele origin: not applicable. Functional consequence: skipped exon. Not counted in ClinVar's aggregate classification.

NM_006796.3(AFG3L2):c.215-5A>C

Gene: AFG3L2 (AFG3 like matrix AAA peptidase subunit 2; minus strand). Cytogenetic location: 18p11.21.
Variant type: single nucleotide variant.
Coding change: c.215-5A>C on transcript NM_006796.3 (MANE Select); 5 bases into the intron before coding-DNA position 215, A replaced by C.
Molecular consequence: intron variant.
Genome position (GRCh38, 1-based): chr18:12,370,931, T>G on the plus strand (A>C on the coding strand, the complement: AFG3L2 is on the minus strand). VCF-style: chr18-12370931-T-G. GRCh37 (hg19) VCF-style: chr18-12370930-T-G.
Identifiers: ClinVar variation 326111 (VCV000326111.20), dbSNP rs371046479, ClinGen allele CA8896805.